The following is an entry in ClinVar:

ClinVar aggregate classification (germline): Uncertain significance (1 of 4 stars; one submission).

Conditions:
Dyskeratosis congenita. Identifiers: Orphanet 1775, MedGen C0265965, MONDO:0015780.

gnomAD v4.1: 3 of 1,547,684 alleles (0.00019%); highest among the groups gnomAD compares: African/African-American, 0.0014%; no homozygotes.

Submission:

Ambry Genetics
Classification: Uncertain significance for Dyskeratosis congenita. Last evaluated: 2025-04-16. Review status: criteria provided, single submitter. Criteria: Ambry Variant Classification Scheme 2023. Collection method: clinical testing. Allele origin: germline.
Comment: The p.G433S variant (also known as c.1297G>A), located in coding exon 2 of the TERT gene, results from a G to A substitution at nucleotide position 1297. The glycine at codon 433 is replaced by serine, an amino acid with similar properties. This amino acid position is conserved. In addition, this alteration is predicted to be tolerated by in silico analysis. Based on the available evidence, the clinical significance of this variant remains unclear.

NM_198253.3(TERT):c.1297G>A (p.Gly433Ser)

Gene: TERT (telomerase reverse transcriptase; minus strand). Cytogenetic location: 5p15.33.
Variant type: single nucleotide variant.
Coding change: c.1297G>A on transcript NM_198253.3 (MANE Select); coding-DNA position 1297, G replaced by A.
Protein change: p.Gly433Ser; replaces glycine 433 with serine.
Molecular consequence: missense variant. On other transcripts: non-coding transcript variant (2).
Genome position (GRCh38, 1-based): chr5:1,293,589, C>T on the plus strand (G>A on the coding strand, the complement: TERT is on the minus strand). VCF-style: chr5-1293589-C-T. GRCh37 (hg19) VCF-style: chr5-1293704-C-T.
Other names: c.1297G>A, p.Gly433Ser (NM_001193376.3); short protein forms G433S.
Identifiers: ClinVar variation 3967327 (VCV003967327.1).
Genomic context (GRCh38, chr5:1,293,589, plus strand): 5'-GGAGCAGCTGCACCAGGCGACGGGGGTCTGTGTCCTCCTCCTCGGGGGCCGCCACAGAGC[C>T]CTGGGGCTTCTCCCGGGCACAGACACCGGCTGCTGGGGTGACCGCAGCTCGCAGCGGGCA-3'
Protein context (NP_937983.2, residues 423-443): AGVCAREKPQ[Gly433Ser]SVAAPEEEDT